The following is an entry in ClinVar:

ClinVar aggregate classification (germline): Likely benign. Review status: criteria provided, multiple submitters, no conflicts (2 of 4 stars). 4 submissions from 4 submitters: Likely benign (4). Last evaluated 2025-12-17.

Conditions:
Cardiovascular phenotype. Identifiers: MedGen CN230736.
Glycogen storage disease, type II (IOPD). Also called: Deficiency of alpha-glucosidase; Deficiency of lysosomal alpha-glucosidase; Glycogen storage disease type 2; Acid maltase deficiency disease; Aglucosidase alfa; CARDIOMEGALIA GLYCOGENICA DIFFUSA. Identifiers: Orphanet 365, MedGen C0017921, MONDO:0009290, OMIM 232300.

Allele frequency attached by ClinVar (database versions not stated): gnomAD exomes below 0.00001; ExAC 0.00001; gnomAD 0.00002; TOPMed 0.00005.
gnomAD v4.1: 7 of 1,612,754 alleles (0.00043%); highest among the groups gnomAD compares: African/African-American, 0.0053%; no homozygotes.

Submissions (4):

Labcorp Genetics (formerly Invitae), Labcorp
Classification: Likely benign for Glycogen storage disease, type II. Last evaluated: 2025-12-17. Review status: criteria provided, single submitter. Criteria: Invitae Variant Classification Sherloc (09022015). Collection method: clinical testing. Allele origin: germline.

CeGaT Center for Human Genetics Tuebingen
Classification: Likely benign. Last evaluated: 2025-10-01. Review status: criteria provided, single submitter. Criteria: CeGaT Center For Human Genetics Tuebingen Variant Classification Criteria Version 2. Collection method: clinical testing. Allele origin: germline. Affected: yes. Observed: 1 variant allele.
Comment: GAA: BP4, BP7

Ambry Genetics
Classification: Likely benign for Cardiovascular phenotype. Last evaluated: 2022-09-13. Review status: criteria provided, single submitter. Criteria: Ambry Variant Classification Scheme 2023. Collection method: clinical testing. Allele origin: germline.

GeneDx
Classification: Likely benign. Last evaluated: 2021-02-15. Review status: criteria provided, single submitter. Criteria: GeneDx Variant Classification Process June 2021. Collection method: clinical testing. Allele origin: germline. Affected: yes.

NM_000152.5(GAA):c.1815C>T (p.Gly605=)

Gene: GAA (alpha glucosidase; plus strand). Cytogenetic location: 17q25.3.
Variant type: single nucleotide variant.
Coding change: c.1815C>T on transcript NM_000152.5 (MANE Select); coding-DNA position 1815, C replaced by T.
Protein change: p.Gly605=; no amino-acid change (glycine 605 retained).
Molecular consequence: synonymous variant.
Genome position (GRCh38, 1-based): chr17:80,112,638, C>T. VCF-style: chr17-80112638-C-T. GRCh37 (hg19) VCF-style: chr17-78086437-C-T.
Other names: c.1815C>T, p.Gly605= (NM_001079803.3, NM_001079804.3).
Identifiers: ClinVar variation 1135004 (VCV001135004.20), dbSNP rs756507404, ClinGen allele CA8815486.
Genomic context (GRCh38, chr17:80,112,638, plus strand): 5'-GGCGCTGGTGAAGGCTCGGGGGACACGCCCATTTGTGATCTCCCGCTCGACCTTTGCTGG[C>T]CACGGCCGATACGCCGGCCACTGGACGGGGGACGTGTGGAGCTCCTGGGAGCAGCTCGCC-3'
Protein context (NP_000143.2, residues 595-615): PFVISRSTFA[Gly605=]HGRYAGHWTG